The following is an entry in ClinVar:

ClinVar aggregate classification (germline): Uncertain significance (1 of 4 stars; one submission).

Submission:

Labcorp Genetics (formerly Invitae), Labcorp
Classification: Uncertain significance. Last evaluated: 2024-12-24. Review status: criteria provided, single submitter. Criteria: Invitae Variant Classification Sherloc (09022015). Collection method: clinical testing. Allele origin: germline.
Comment: This sequence change replaces arginine, which is basic and polar, with tryptophan, which is neutral and slightly polar, at codon 553 of the TLR7 protein (p.Arg553Trp). This variant is present in population databases (no rsID available, gnomAD 0.001%). This variant has not been reported in the literature in individuals affected with TLR7-related conditions. An algorithm developed to predict the effect of missense changes on protein structure and function (PolyPhen-2) suggests that this variant is likely to be disruptive. In summary, the available evidence is currently insufficient to determine the role of this variant in disease. Therefore, it has been classified as a Variant of Uncertain Significance.

NM_016562.4(TLR7):c.1657C>T (p.Arg553Trp)

Gene: TLR7 (toll like receptor 7; plus strand). Cytogenetic location: Xp22.2.
Variant type: single nucleotide variant.
Coding change: c.1657C>T on transcript NM_016562.4 (MANE Select); coding-DNA position 1657, C replaced by T.
Protein change: p.Arg553Trp; replaces arginine 553 with tryptophan.
Molecular consequence: missense variant.
Genome position (GRCh38, 1-based): chrX:12,887,165, C>T. VCF-style: chrX-12887165-C-T. GRCh37 (hg19) VCF-style: chrX-12905284-C-T.
Other names: short protein forms R553W.
Identifiers: ClinVar variation 3727492 (VCV003727492.2).
Genomic context (GRCh38, chrX:12,887,165, plus strand): 5'-CTTAATGGCAGTGAATTCCAACCTTTAGCAGAGCTGAGATATTTGGACTTCTCCAACAAC[C>T]GGCTTGATTTACTCCATTCAACAGCATTTGAAGAGCTTCACAAACTGGAAGTTCTGGATA-3'
Protein context (NP_057646.1, residues 543-563): ELRYLDFSNN[Arg553Trp]LDLLHSTAFE